The following is an entry in ClinVar:

ClinVar aggregate classification (germline): Likely benign. Review status: criteria provided, multiple submitters, no conflicts (2 of 4 stars). 2 submissions from 2 submitters: Likely benign (2). Last evaluated 2026-02-17.

gnomAD v4.1: 141 of 1,607,928 alleles (0.0088%); highest among the groups gnomAD compares: South Asian, 0.1%; 2 homozygotes.

Submissions (2):

Women's Health and Genetics/Laboratory Corporation of America, LabCorp
Classification: Likely benign. Last evaluated: 2026-02-17. Review status: criteria provided, single submitter. Criteria: LabCorp Variant Classification Summary - May 2015. Collection method: clinical testing. Allele origin: germline.
Comment: Variant summary: TRPA1 c.1177C>T (p.Arg393X) results in a premature termination codon, predicted to cause a truncation of the encoded protein or absence of the protein due to nonsense mediated decay, however current evidence is not sufficient to establish loss of function as a mechanism for disease. The variant allele was found at a frequency of 0.00019 in 246902 control chromosomes, predominantly at a frequency of 0.0012 within the South Asian subpopulation in the gnomAD database. The observed variant frequency within South Asian control individuals in the gnomAD database is approximately equal to the estimated maximal expected allele frequency for disease-causing variants in TRPA1. c.1177C>T has been reported in the heterozygous state in at least 1 individual(s) affected with clinical features of neuropathy, without strong evidence for causality (example, Iczkowska_2022). The available clinical observation(s) are not sufficient to make conclusions about the variant's impact on TRPA1-related conditions. To our knowledge, no experimental evidence demonstrating its impact on protein function has been reported. ClinVar contains an entry for this variant (Variation ID: 3388781). Based on the evidence outlined above, the variant was classified as likely benign.

CeGaT Center for Human Genetics Tuebingen
Classification: Likely benign. Last evaluated: 2024-11-01. Review status: criteria provided, single submitter. Criteria: CeGaT Center For Human Genetics Tuebingen Variant Classification Criteria Version 2. Collection method: clinical testing. Allele origin: germline. Affected: yes. Observed: 1 variant allele.
Comment: TRPA1: BS2

Literature cited by the submitters: PubMed 23917401 (cited by Women's Health and Genetics/Laboratory Corporation of America, LabCorp); PubMed 23912084 (cited by Women's Health and Genetics/Laboratory Corporation of America, LabCorp); PubMed 36430572 (cited by Women's Health and Genetics/Laboratory Corporation of America, LabCorp).

NM_007332.3(TRPA1):c.1177C>T (p.Arg393Ter)

Gene: TRPA1 (transient receptor potential cation channel subfamily A member 1; minus strand). Cytogenetic location: 8q21.11.
Variant type: single nucleotide variant.
Coding change: c.1177C>T on transcript NM_007332.3 (MANE Select); coding-DNA position 1177, C replaced by T.
Protein change: p.Arg393Ter; replaces arginine 393 with a stop codon.
Molecular consequence: nonsense.
Genome position (GRCh38, 1-based): chr8:72,056,934, G>A on the plus strand (C>T on the coding strand, the complement: TRPA1 is on the minus strand). VCF-style: chr8-72056934-G-A. GRCh37 (hg19) VCF-style: chr8-72969169-G-A.
Other names: short protein forms R393*.
Identifiers: ClinVar variation 3388781 (VCV003388781.15).